The following is an entry in ClinVar:

NM_138576.4(BCL11B):c.1781T>C (p.Val594Ala)

Gene: BCL11B (BCL11 transcription factor B; minus strand). Cytogenetic location: 14q32.2.
Variant type: single nucleotide variant.
Coding change: c.1781T>C on transcript NM_138576.4 (MANE Select); coding-DNA position 1781, T replaced by C.
Protein change: p.Val594Ala; replaces valine 594 with alanine.
Molecular consequence: missense variant.
Genome position (GRCh38, 1-based): chr14:99,175,055, A>G on the plus strand (T>C on the coding strand, the complement: BCL11B is on the minus strand). VCF-style: chr14-99175055-A-G. GRCh37 (hg19) VCF-style: chr14-99641392-A-G.
Other names: c.1778T>C, p.Val593Ala (NM_001282237.2); c.1565T>C, p.Val522Ala (NM_001282238.2); c.1568T>C, p.Val523Ala (NM_022898.3); short protein forms V522A, V523A, V593A, V594A.
Identifiers: ClinVar variation 1015168 (VCV001015168.8), dbSNP rs1886443963, ClinGen allele CA390934622.

ClinVar aggregate classification (germline): Uncertain significance (1 of 4 stars; one submission).

Submission:

Labcorp Genetics (formerly Invitae), Labcorp
Classification: Uncertain significance. Last evaluated: 2022-07-06. Review status: criteria provided, single submitter. Criteria: Invitae Variant Classification Sherloc (09022015). Collection method: clinical testing. Allele origin: germline.
Comment: In summary, the available evidence is currently insufficient to determine the role of this variant in disease. Therefore, it has been classified as a Variant of Uncertain Significance. Algorithms developed to predict the effect of missense changes on protein structure and function output the following: SIFT: "Tolerated"; PolyPhen-2: "Benign"; Align-GVGD: "Class C0". The alanine amino acid residue is found in multiple mammalian species, which suggests that this missense change does not adversely affect protein function. ClinVar contains an entry for this variant (Variation ID: 1015168). This variant has not been reported in the literature in individuals affected with BCL11B-related conditions. This variant is not present in population databases (gnomAD no frequency). This sequence change replaces valine, which is neutral and non-polar, with alanine, which is neutral and non-polar, at codon 594 of the BCL11B protein (p.Val594Ala).